The following is an entry in ClinVar:

ClinVar aggregate classification (germline): Likely benign. Review status: criteria provided, multiple submitters, no conflicts (2 of 4 stars). 2 submissions from 2 submitters: Likely benign (2). Last evaluated 2024-08-14.

Allele frequency attached by ClinVar (database versions not stated): gnomAD exomes 0.00002; gnomAD 0.00003; TOPMed 0.00003; 1000 Genomes Project 30x 0.00031; 1000 Genomes Project 0.00120.
gnomAD v4.1: 39 of 1,452,456 alleles (0.0027%); highest among the groups gnomAD compares: Non-Finnish European, 0.0032%; no homozygotes.

Submissions (2):

Blueprint Genetics
Classification: Likely benign. Last evaluated: 2024-08-14. Review status: criteria provided, single submitter. Criteria: ACMG Guidelines, 2015. Collection method: clinical testing. Allele origin: germline.

CeGaT Center for Human Genetics Tuebingen
Classification: Likely benign. Last evaluated: 2022-05-01. Review status: criteria provided, single submitter. Criteria: CeGaT Center For Human Genetics Tuebingen Variant Classification Criteria Version 2. Collection method: clinical testing. Allele origin: germline. Affected: yes. Observed: 2 variant alleles.
Comment: SPTBN4: BP4, BP7

NM_020971.3(SPTBN4):c.3352C>T (p.Leu1118=)

Gene: SPTBN4 (spectrin beta, non-erythrocytic 4; plus strand). Cytogenetic location: 19q13.2.
Variant type: single nucleotide variant.
Coding change: c.3352C>T on transcript NM_020971.3 (MANE Select); coding-DNA position 3352, C replaced by T.
Protein change: p.Leu1118=; no amino-acid change (leucine 1118 retained).
Molecular consequence: synonymous variant.
Genome position (GRCh38, 1-based): chr19:40,519,849, C>T. VCF-style: chr19-40519849-C-T. GRCh37 (hg19) VCF-style: chr19-41025756-C-T.
Identifiers: ClinVar variation 2649893 (VCV002649893.23), dbSNP rs537950902, ClinGen allele CA9445992.